The following is an entry in ClinVar:

NM_004104.5(FASN):c.7516G>A (p.Val2506Met)

Gene: FASN (fatty acid synthase; minus strand). Cytogenetic location: 17q25.3.
Variant type: single nucleotide variant.
Coding change: c.7516G>A on transcript NM_004104.5 (MANE Select); coding-DNA position 7516, G replaced by A.
Protein change: p.Val2506Met; replaces valine 2506 with methionine.
Molecular consequence: missense variant.
Genome position (GRCh38, 1-based): chr17:82,079,163, C>T on the plus strand (G>A on the coding strand, the complement: FASN is on the minus strand). VCF-style: chr17-82079163-C-T. GRCh37 (hg19) VCF-style: chr17-80037039-C-T.
Other names: short protein forms V2506M.
Identifiers: ClinVar variation 2331257 (VCV002331257.5), dbSNP rs766210377, ClinGen allele CA295201537.

ClinVar aggregate classification (germline): Uncertain significance. Review status: criteria provided, multiple submitters, no conflicts (2 of 4 stars). 2 submissions from 2 submitters: Uncertain significance (2). Last evaluated 2023-04-03.

Conditions:
Epileptic encephalopathy. Identifiers: MedGen C0543888, HP:0200134.

Allele frequency attached by ClinVar (database versions not stated): gnomAD exomes below 0.00001; TOPMed below 0.00001.
gnomAD v4.1: 6 of 1,612,494 alleles (0.00037%); highest among the groups gnomAD compares: South Asian, 0.0011%; no homozygotes.

Submissions (2):

Labcorp Genetics (formerly Invitae), Labcorp
Classification: Uncertain significance for Epileptic encephalopathy. Last evaluated: 2023-04-03. Review status: criteria provided, single submitter. Criteria: Invitae Variant Classification Sherloc (09022015). Collection method: clinical testing. Allele origin: germline.
Comment: This variant has not been reported in the literature in individuals affected with FASN-related conditions. This variant is present in population databases (rs766210377, gnomAD 0.003%). This sequence change replaces valine, which is neutral and non-polar, with methionine, which is neutral and non-polar, at codon 2506 of the FASN protein (p.Val2506Met). ClinVar contains an entry for this variant (Variation ID: 2331257). In summary, the available evidence is currently insufficient to determine the role of this variant in disease. Therefore, it has been classified as a Variant of Uncertain Significance. An algorithm developed to predict the effect of missense changes on protein structure and function (PolyPhen-2) suggests that this variant is likely to be disruptive.

Ambry Genetics
Classification: Uncertain significance. Last evaluated: 2022-12-01. Review status: criteria provided, single submitter. Criteria: Ambry Variant Classification Scheme 2023. Collection method: clinical testing. Allele origin: germline.